The following is an entry in ClinVar:

ClinVar aggregate classification (germline): Conflicting classifications of pathogenicity. Review status: criteria provided, conflicting classifications (1 of 4 stars). 2 submissions from 2 submitters: Uncertain significance (1); Likely benign (1). Last evaluated 2025-08-11.

Allele frequency attached by ClinVar (database versions not stated): 1000 Genomes Project 30x 0.00031; 1000 Genomes Project 0.00040.
gnomAD v4.1: 453 of 1,613,062 alleles (0.028%); highest among the groups gnomAD compares: East Asian, 0.047%; no homozygotes.

Submissions (2):

GeneDx
Classification: Uncertain significance. Last evaluated: 2025-08-11. Review status: criteria provided, single submitter. Criteria: GeneDx Variant Classification Process June 2021. Collection method: clinical testing. Allele origin: germline. Affected: yes.
Comment: In silico analysis suggests that this missense variant does not alter protein structure/function; Has not been previously published as pathogenic or benign to our knowledge

Women's Health and Genetics/Laboratory Corporation of America, LabCorp
Classification: Likely benign. Last evaluated: 2023-12-22. Review status: criteria provided, single submitter. Criteria: LabCorp Variant Classification Summary - May 2015. Collection method: clinical testing. Allele origin: germline.
Comment: Variant summary: GH1 c.7A>C (p.Thr3Pro) results in a non-conservative amino acid change in the encoded protein sequence. Four of five in-silico tools predict a benign effect of the variant on protein function. The variant allele was found at a frequency of 0.00023 in 249884 control chromosomes in the gnomAD database, including 1 homozygote. The observed variant frequency is approximately 4 fold of the estimated maximal expected allele frequency for a pathogenic variant in GH1 causing Idiopathic Growth Hormone Deficiency phenotype (6.3e-05), strongly suggesting that the variant is benign. To our knowledge, no occurrence of c.7A>C in individuals affected with Idiopathic Growth Hormone Deficiency and no experimental evidence demonstrating its impact on protein function have been reported. The following publications have been ascertained in the context of this evaluation (PMID: 17223997, 18950677). One submitter has cited clinical-significance assessments for this variant to ClinVar after 2014 and has classified the variant as uncertain significance. Based on the evidence outlined above, the variant was classified as likely benign.

Literature cited by the submitters: PubMed 17223997 (cited by Women's Health and Genetics/Laboratory Corporation of America, LabCorp); PubMed 18950677 (cited by Women's Health and Genetics/Laboratory Corporation of America, LabCorp).

NM_000515.5(GH1):c.7A>C (p.Thr3Pro)

Genes: GH-LCR (growth hormone locus control region; plus strand), GH1 (growth hormone 1; minus strand). Cytogenetic location: 17q23.3.
Variant type: single nucleotide variant.
Coding change: c.7A>C on transcript NM_000515.5 (MANE Select); coding-DNA position 7, A replaced by C.
Protein change: p.Thr3Pro; replaces threonine 3 with proline.
Molecular consequence: missense variant.
Genome position (GRCh38, 1-based): chr17:63,918,770, T>G on the plus strand (A>C on the coding strand, the complement: GH1 is on the minus strand). VCF-style: chr17-63918770-T-G. GRCh37 (hg19) VCF-style: chr17-61996130-T-G.
Other names: c.7A>C, p.Thr3Pro (NM_022559.4, NM_022560.4); short protein forms T3P.
Identifiers: ClinVar variation 452376 (VCV000452376.4), dbSNP rs2001345, ClinGen allele CA8708426.